The following is an entry in ClinVar:

NM_001164665.2(KIAA1549):c.3409G>C (p.Val1137Leu)

Gene: KIAA1549 (KIAA1549; minus strand). Cytogenetic location: 7q34.
Variant type: single nucleotide variant.
Coding change: c.3409G>C on transcript NM_001164665.2 (MANE Select); coding-DNA position 3409, G replaced by C.
Protein change: p.Val1137Leu; replaces valine 1137 with leucine.
Molecular consequence: missense variant.
Genome position (GRCh38, 1-based): chr7:138,906,970, C>G on the plus strand (G>C on the coding strand, the complement: KIAA1549 is on the minus strand). VCF-style: chr7-138906970-C-G. GRCh37 (hg19) VCF-style: chr7-138591716-C-G.
Other names: c.3409G>C, p.Val1137Leu (NM_020910.3); short protein forms V1137L.
Identifiers: ClinVar variation 943366 (VCV000943366.9), dbSNP rs1379089715, ClinGen allele CA369384879.

ClinVar aggregate classification (germline): Uncertain significance. Review status: criteria provided, multiple submitters, no conflicts (2 of 4 stars). 2 submissions from 2 submitters: Uncertain significance (2). Last evaluated 2025-06-03.

Conditions:
Inborn genetic diseases. Identifiers: MedGen C0950123, MeSH D030342.

Allele frequency attached by ClinVar (database versions not stated): gnomAD exomes below 0.00001.
gnomAD v4.1: 1 of 1,613,148 alleles (0.000062%); highest among the groups gnomAD compares: Non-Finnish European, 0.000085%; no homozygotes.

Submissions (2):

Ambry Genetics
Classification: Uncertain significance for Inborn genetic diseases. Last evaluated: 2025-06-03. Review status: criteria provided, single submitter. Criteria: Ambry Variant Classification Scheme 2023. Collection method: clinical testing. Allele origin: germline.

Labcorp Genetics (formerly Invitae), Labcorp
Classification: Uncertain significance. Last evaluated: 2022-03-03. Review status: criteria provided, single submitter. Criteria: Invitae Variant Classification Sherloc (09022015). Collection method: clinical testing. Allele origin: germline.
Comment: This sequence change replaces valine, which is neutral and non-polar, with leucine, which is neutral and non-polar, at codon 1137 of the KIAA1549 protein (p.Val1137Leu). This variant is not present in population databases (gnomAD no frequency). This variant has not been reported in the literature in individuals affected with KIAA1549-related conditions. ClinVar contains an entry for this variant (Variation ID: 943366). Algorithms developed to predict the effect of missense changes on protein structure and function are either unavailable or do not agree on the potential impact of this missense change (SIFT: "Tolerated"; PolyPhen-2: "Probably Damaging"; Align-GVGD: "Class C0"). In summary, the available evidence is currently insufficient to determine the role of this variant in disease. Therefore, it has been classified as a Variant of Uncertain Significance.